The following is an entry in ClinVar:

NM_000092.5(COL4A4):c.1517G>A (p.Gly506Glu)

Gene: COL4A4 (collagen type IV alpha 4 chain; minus strand). Cytogenetic location: 2q36.3.
Variant type: single nucleotide variant.
Coding change: c.1517G>A on transcript NM_000092.5 (MANE Select); coding-DNA position 1517, G replaced by A.
Protein change: p.Gly506Glu; replaces glycine 506 with glutamic acid.
Molecular consequence: missense variant.
Genome position (GRCh38, 1-based): chr2:227,088,759, C>T on the plus strand (G>A on the coding strand, the complement: COL4A4 is on the minus strand). VCF-style: chr2-227088759-C-T. GRCh37 (hg19) VCF-style: chr2-227953475-C-T.
Other names: short protein forms G506E.
Identifiers: ClinVar variation 3236133 (VCV003236133.1), dbSNP rs1258499665, ClinGen allele CA350849989.
Genomic context (GRCh38, chr2:227,088,759, plus strand): 5'-TTTGTTCCAAGCCAGCCAGGGAGCCCCAAGTCTCCCTTACTCCCCTGCCTCCCAGGAAGT[C>T]CTGGAGGGCCAGGGGGGCCCATGGGTCCAGGCTCACAGGCACAGAGTCCTTCATTTCCTA-3'
Protein context (NP_000083.3, residues 496-516): PGPMGPPGPP[Gly506Glu]LPGRQGSKGD

ClinVar aggregate classification (germline): Likely pathogenic (1 of 4 stars; one submission).

Conditions:
Autosomal recessive Alport syndrome (ATS2). Also called: COL4A4 Alport Syndrome and Thin Basement Membrane Nephropathy; ALPORT SYNDROME 2, AUTOSOMAL RECESSIVE; Alport syndrome type 2; COL4A3-Related Nephropathy. Identifiers: Orphanet 63, Orphanet 88919, MedGen C4746745, MONDO:0008762, OMIM 203780.

Allele frequency attached by ClinVar (database versions not stated): gnomAD exomes below 0.00001.
gnomAD v4.1: 1 of 1,614,136 alleles (0.000062%); highest among the groups gnomAD compares: South Asian, 0.0011%; no homozygotes.

Submission:

MVZ Medizinische Genetik Mainz
Classification: Likely pathogenic for Autosomal recessive Alport syndrome. Last evaluated: 2022-09-01. Review status: criteria provided, single submitter. Criteria: UK Practice Guidelines For Variant Classification V4 01 2020. Collection method: clinical testing. Allele origin: germline. Inheritance: Autosomal recessive inheritance. Affected: yes. Observed: 1 variant allele.
Comment: ACMG Criteria: PM1_STR, PM2_SUP, PP3 (ACMG Version 4)